The following is an entry in ClinVar:

NM_002485.5(NBN):c.1427C>A (p.Ser476Tyr)

Gene: NBN (nibrin; minus strand). Cytogenetic location: 8q21.3.
Variant type: single nucleotide variant.
Coding change: c.1427C>A on transcript NM_002485.5 (MANE Select); coding-DNA position 1427, C replaced by A.
Protein change: p.Ser476Tyr; replaces serine 476 with tyrosine.
Molecular consequence: missense variant.
Genome position (GRCh38, 1-based): chr8:89,953,662, G>T on the plus strand (C>A on the coding strand, the complement: NBN is on the minus strand). VCF-style: chr8-89953662-G-T. GRCh37 (hg19) VCF-style: chr8-90965890-G-T.
Other names: c.1181C>A, p.Ser394Tyr (NM_001024688.3); short protein forms S476Y, S394Y.
Identifiers: ClinVar variation 1772396 (VCV001772396.2), dbSNP rs2129703826, ClinGen allele CA371655871.

ClinVar aggregate classification (germline): Uncertain significance (1 of 4 stars; one submission).

Conditions:
Hereditary cancer-predisposing syndrome. Also called: Hereditary Cancer Syndrome; Hereditary neoplastic syndrome; Neoplastic Syndromes, Hereditary; Tumor predisposition. Identifiers: Orphanet 140162, MedGen C0027672, MeSH D009386, MONDO:0015356.

Submission:

Ambry Genetics
Classification: Uncertain significance for Hereditary cancer-predisposing syndrome. Last evaluated: 2021-12-10. Review status: criteria provided, single submitter. Criteria: Ambry Variant Classification Scheme 2023. Collection method: clinical testing. Allele origin: germline.
Comment: The p.S476Y variant (also known as c.1427C>A), located in coding exon 11 of the NBN gene, results from a C to A substitution at nucleotide position 1427. The serine at codon 476 is replaced by tyrosine, an amino acid with dissimilar properties. This amino acid position is conserved. In addition, the in silico prediction for this alteration is inconclusive. Since supporting evidence is limited at this time, the clinical significance of this alteration remains unclear.